The following is an entry in ClinVar:

NM_173598.6(KSR2):c.745C>A (p.Pro249Thr)

Gene: KSR2 (kinase suppressor of ras 2; minus strand). Cytogenetic location: 12q24.23.
Variant type: single nucleotide variant.
Coding change: c.745C>A on transcript NM_173598.6 (MANE Select); coding-DNA position 745, C replaced by A.
Protein change: p.Pro249Thr; replaces proline 249 with threonine.
Molecular consequence: missense variant.
Genome position (GRCh38, 1-based): chr12:117,761,252, G>T on the plus strand (C>A on the coding strand, the complement: KSR2 is on the minus strand). VCF-style: chr12-117761252-G-T. GRCh37 (hg19) VCF-style: chr12-118199057-G-T.
Other names: short protein forms P249T.
Identifiers: ClinVar variation 4992560 (VCV004992560.1).

ClinVar aggregate classification (germline): Uncertain significance (1 of 4 stars; one submission).

Conditions:
KSR2-related disorder. Also called: KSR2-related condition.

Submission:

PreventionGenetics, part of Exact Sciences
Classification: Uncertain significance for KSR2-related condition. Last evaluated: 2026-02-13. Review status: criteria provided, single submitter. Criteria: ACMG Guidelines, 2015. Collection method: clinical testing. Allele origin: germline.
Comment: The KSR2 c.658C>A variant is predicted to result in the amino acid substitution p.Pro220Thr. To our knowledge, this variant has not been reported in the literature or in a large population database (gnomAD), indicating this variant is rare. At this time, the clinical significance of this variant is uncertain due to the absence of conclusive functional and genetic evidence.